The following is an entry in ClinVar:

NM_007294.4(BRCA1):c.1190A>T (p.Asp397Val)

Gene: BRCA1 (BRCA1 DNA repair associated; minus strand). Cytogenetic location: 17q21.31.
Variant type: single nucleotide variant.
Coding change: c.1190A>T on transcript NM_007294.4 (MANE Select); coding-DNA position 1190, A replaced by T.
Protein change: p.Asp397Val; replaces aspartic acid 397 with valine.
Molecular consequence: missense variant. On other transcripts: intron variant (137).
Genome position (GRCh38, 1-based): chr17:43,094,341, T>A on the plus strand (A>T on the coding strand, the complement: BRCA1 is on the minus strand). VCF-style: chr17-43094341-T-A. GRCh37 (hg19) VCF-style: chr17-41246358-T-A.
Other names: c.977A>T, p.Asp326Val (NM_001407571.1, NM_001407853.1, NM_001407894.1 and 9 more transcripts); c.1190A>T, p.Asp397Val (NM_001407581.1, NM_001407582.1, NM_001407583.1 and 30 more transcripts); c.1187A>T, p.Asp396Val (NM_001407587.1, NM_001407590.1, NM_001407591.1 and 22 more transcripts); c.1181A>T, p.Asp394Val (NM_001407646.1, NM_001407647.1); c.1067A>T, p.Asp356Val (NM_001407648.1, NM_001407664.1, NM_001407665.1 and 19 more transcripts); c.1064A>T, p.Asp355Val (NM_001407649.1, NM_001407670.1, NM_001407685.1 and 11 more transcripts); c.1109A>T, p.Asp370Val (NM_001407662.1, NM_001407659.1, NM_001407660.1 and 1 more transcripts); c.1112A>T, p.Asp371Val (NM_001407663.1, NM_001407653.1, NM_001407654.1 and 4 more transcripts); and 40 more; short protein forms D350V, D397V, D285V, D355V, D356V, D394V, D396V, D229V.
Identifiers: ClinVar variation 654531 (VCV000654531.16), dbSNP rs747727601, ClinGen allele CA057074.

ClinVar aggregate classification (germline): Conflicting classifications of pathogenicity. Review status: criteria provided, conflicting classifications (1 of 4 stars). 5 submissions from 5 submitters: Uncertain significance (4); Likely benign (1). Last evaluated 2026-04-09.

Conditions:
Hereditary cancer-predisposing syndrome. Also called: Neoplastic Syndromes, Hereditary; Tumor predisposition; Hereditary Cancer Syndrome; Hereditary neoplastic syndrome. Identifiers: Orphanet 140162, MedGen C0027672, MeSH D009386, MONDO:0015356.
Hereditary breast ovarian cancer syndrome. Also called: Hereditary breast and ovarian cancer syndrome; Hereditary breast and ovarian cancer syndrome (HBOC); BRCA1- and BRCA2-Associated Hereditary Breast and Ovarian Cancer; Hereditary breast and ovarian cancer; Hereditary breast and/or ovarian cancer syndrome; Breast and ovarian cancer. Identifiers: Orphanet 145, MedGen C0677776, MeSH D061325, MONDO:0003582. Disease mechanism: loss of function.

Allele frequency attached by ClinVar (database versions not stated): ExAC 0.00001.

Submissions (5):

GeneDx
Classification: Uncertain significance. Last evaluated: 2026-04-09. Review status: criteria provided, single submitter. Criteria: GeneDx Variant Classification Process June 2021. Collection method: clinical testing. Allele origin: germline.
Comment: Not observed at significant frequency in large population cohorts (gnomAD); In silico analysis supports that this missense variant has a deleterious effect on protein structure/function; Has not been previously published as pathogenic or benign to our knowledge; Also known as 1309A>T; This variant is associated with the following publications: (PMID: 20215511, 10426999, 9582019, 9926942, 15343273, 31911673)

Labcorp Genetics (formerly Invitae), Labcorp
Classification: Uncertain significance for Hereditary breast ovarian cancer syndrome. Last evaluated: 2025-06-16. Review status: criteria provided, single submitter. Criteria: Invitae Variant Classification Sherloc (09022015). Collection method: clinical testing. Allele origin: germline.
Comment: This sequence change replaces aspartic acid, which is acidic and polar, with valine, which is neutral and non-polar, at codon 397 of the BRCA1 protein (p.Asp397Val). This variant is present in population databases (rs747727601, gnomAD 0.0009%). This variant has not been reported in the literature in individuals affected with BRCA1-related conditions. ClinVar contains an entry for this variant (Variation ID: 654531). Invitae Evidence Modeling of protein sequence and biophysical properties (such as structural, functional, and spatial information, amino acid conservation, physicochemical variation, residue mobility, and thermodynamic stability) indicates that this missense variant is not expected to disrupt BRCA1 protein function with a negative predictive value of 80%. In summary, the available evidence is currently insufficient to determine the role of this variant in disease. Therefore, it has been classified as a Variant of Uncertain Significance.

Quest Diagnostics Nichols Institute San Juan Capistrano
Classification: Uncertain significance. Last evaluated: 2023-05-15. Review status: criteria provided, single submitter. Criteria: Quest Diagnostics criteria. Collection method: clinical testing. Allele origin: unknown.
Comment: It has not been reported in large, multi-ethnic general populations. In the published literature, the variant has been reported as a variant of uncertain significance using Bayesian approaches (PMID: 31911673 (2020)). Analysis of this variant using bioinformatics tools for the prediction of the effect of amino acid changes on protein structure and function yielded predictions that this variant is benign. Based on the available information, we are unable to determine the clinical significance of this variant.

University of Washington Department of Laboratory Medicine, University of Washington
Classification: Likely benign for Hereditary cancer-predisposing syndrome. Last evaluated: 2023-03-23. Review status: criteria provided, single submitter. Criteria: Dines et al. (Genet Med. 2020). Collection method: curation. Allele origin: germline.
Comment: Missense variant in a coldspot region where missense variants are very unlikely to be pathogenic (PMID:31911673).

BRCA1 coldspot (exon 11 using historical exon numbering). Reclassification based on statistical prior probability

Ambry Genetics
Classification: Uncertain significance for Hereditary cancer-predisposing syndrome. Last evaluated: 2023-01-04. Review status: criteria provided, single submitter. Criteria: Ambry Variant Classification Scheme 2023. Collection method: clinical testing. Allele origin: germline.
Comment: The p.D397V variant (also known as c.1190A>T), located in coding exon 9 of the BRCA1 gene, results from an A to T substitution at nucleotide position 1190. The aspartic acid at codon 397 is replaced by valine, an amino acid with highly dissimilar properties. This amino acid position is conserved. In addition, the in silico prediction for this alteration is inconclusive. Since supporting evidence is limited at this time, the clinical significance of this alteration remains unclear.

Literature cited by the submitters: PubMed 31911673 (cited by Quest Diagnostics Nichols Institute San Juan Capistrano).